The following is an entry in ClinVar:

NM_020208.4(SLC6A20):c.1A>G (p.Met1Val)

Gene: SLC6A20 (solute carrier family 6 member 20; minus strand). Cytogenetic location: 3p21.31.
Variant type: single nucleotide variant.
Coding change: c.1A>G on transcript NM_020208.4 (MANE Select); coding-DNA position 1, A replaced by G.
Protein change: p.Met1Val; changes the start codon (methionine 1).
Molecular consequence: missense variant, initiator codon variant.
Genome position (GRCh38, 1-based): chr3:45,796,419, T>C on the plus strand (A>G on the coding strand, the complement: SLC6A20 is on the minus strand). VCF-style: chr3-45796419-T-C. GRCh37 (hg19) VCF-style: chr3-45837911-T-C.
Other names: c.1A>G, p.Met1Val (NM_001385683.1, NM_022405.4); short protein forms M1V.
Identifiers: ClinVar variation 1049972 (VCV001049972.3), dbSNP rs149885788, ClinGen allele CA2351795.

ClinVar aggregate classification (germline): Uncertain significance. Review status: criteria provided, single submitter (1 of 4 stars). 2 submissions from 2 submitters: Uncertain significance (1). 1 of the submissions does not count toward it. Last evaluated 2022-02-15.

Conditions:
Hyperglycinuria. Also called: GLYCINURIA WITH OR WITHOUT OXALATE NEPHROLITHIASIS; GLYCINURIA WITH OR WITHOUT OXALATE UROLITHIASIS; IMINOGLYCINURIA TYPE II. Identifiers: MedGen C0543541, MONDO:0007677, OMIM 138500, HP:0003108.
Iminoglycinuria. Identifiers: Orphanet 42062, MedGen C0268654, MONDO:0009448, OMIM 242600.

Allele frequency attached by ClinVar (database versions not stated): gnomAD exomes 0.00008 and 0.00009; ExAC 0.00009; gnomAD 0.00009 and 0.00010; TOPMed 0.00010; ESP Exome Variant Server 0.00015; 1000 Genomes Project 30x 0.00016.

Submissions (2):

Fulgent Genetics
Classification: Uncertain significance for Hyperglycinuria; Iminoglycinuria. Last evaluated: 2022-02-15. Review status: criteria provided, single submitter. Criteria: ACMG Guidelines, 2015. Collection method: clinical testing. Allele origin: unknown.

Department of Pathology and Laboratory Medicine, Sinai Health System
Classification: Uncertain significance. Review status: no assertion criteria provided. Collection method: clinical testing. Allele origin: unknown. Affected: yes. Study: The Canadian Open Genetics Repository (COGR). Not counted in ClinVar's aggregate classification.
Comment: The SLC6A20 c.1A>G variant was not identified in the literature nor was it identified in ClinVar or LOVD 3.0. The variant was identified in dbSNP (ID: rs149885788) and in control databases in 24 of 276290 chromosomes at a frequency of 0.00008687 (Genome Aggregation Database March 6, 2019, v2.1.1). The variant was observed in the following populations: European (non-Finnish) in 23 of 124926 chromosomes (freq: 0.000184) and African in 1 of 24012 chromosomes (freq: 0.000042), but was not observed in the Latino, Ashkenazi Jewish, East Asian, European (Finnish), Other, or South Asian populations. The variant occurs outside of the splicing consensus sequence and in silico or computational prediction software programs (SpliceSiteFinder, MaxEntScan, NNSPLICE, GeneSplicer) do not predict a difference in splicing. This variant results in the loss of the initation codon, however it is unclear how this would affect SLC6A20 protein function. In summary, based on the above information the clinical significance of this variant cannot be determined with certainty at this time. This variant is classified as a variant of uncertain significance.